The following is an entry in ClinVar:

ClinVar aggregate classification (germline): Likely pathogenic (1 of 4 stars; one submission).

Conditions:
Cardiovascular phenotype. Identifiers: MedGen CN230736.

Submission:

Ambry Genetics
Classification: Likely pathogenic for Cardiovascular phenotype. Last evaluated: 2021-02-18. Review status: criteria provided, single submitter. Criteria: Ambry Variant Classification Scheme 2023. Collection method: clinical testing. Allele origin: germline.
Comment: The c.3787delC variant, located in coding exon 33 of the MYBPC3 gene, results from a deletion of one nucleotide at nucleotide position 3787, causing a translational frameshift with a predicted alternate stop codon (p.R1263Gfs*68). This alteration occurs at the 3' terminus of theMYBPC3 gene, is not expected to trigger nonsense-mediated mRNA decay, and only impacts the last 12 amino acids of the protein. However, premature stop codons are typically deleterious in nature and the impacted region, which is part of the Ig-like C2-type 7 domain that is the major myosin binding domain in MYBPC3, is critical for protein function (Ambry internal data; Gilbert R et al. J Cell Sci, 1996 Jan;109 ( Pt 1):101-11). This variant was not reported in population-based cohorts in the Genome Aggregation Database (gnomAD). Based on the majority of available evidence to date, this variant is likely to be pathogenic.

Literature cited by the submitters: PubMed 8834795.

NM_000256.3(MYBPC3):c.3787del (p.Arg1263fs)

Gene: MYBPC3 (myosin binding protein C3; minus strand). Cytogenetic location: 11p11.2.
Variant type: Deletion.
Coding change: c.3787del on transcript NM_000256.3 (MANE Select); coding-DNA position 3787, one base deleted (C; older notation c.3787delC).
Protein change: p.Arg1263fs; shifts the reading frame from arginine 1263.
Molecular consequence: frameshift variant.
Genome position (GRCh38, 1-based): chr11:47,332,099, G deleted on the plus strand (C on the coding strand, the reverse complement: MYBPC3 is on the minus strand). VCF-style (leftmost placement, unchanged base first): chr11-47332098-CG-C. GRCh37 (hg19) VCF-style: chr11-47353649-CG-C.
Other names: c.3787delC (NM_000256.3); short protein forms R1263fs.
Identifiers: ClinVar variation 1734894 (VCV001734894.2), dbSNP rs2495736043, ClinGen allele CA2580084168.